The following is an entry in ClinVar:

ClinVar aggregate classification (germline): Uncertain significance (1 of 4 stars; one submission).

Conditions:
Dilated cardiomyopathy 1KK (CMD1KK). Identifiers: Orphanet 154, Orphanet 75249, MedGen C3714995, MONDO:0014100, OMIM 615248.

Submission:

Labcorp Genetics (formerly Invitae), Labcorp
Classification: Uncertain significance for Dilated cardiomyopathy 1KK. Last evaluated: 2022-04-10. Review status: criteria provided, single submitter. Criteria: Invitae Variant Classification Sherloc (09022015). Collection method: clinical testing. Allele origin: germline.
Comment: In summary, the available evidence is currently insufficient to determine the role of this variant in disease. Therefore, it has been classified as a Variant of Uncertain Significance. Algorithms developed to predict the effect of sequence changes on RNA splicing suggest that this variant may disrupt the consensus splice site. This sequence change falls in intron 16 of the MYPN gene. It does not directly change the encoded amino acid sequence of the MYPN protein. This variant is not present in population databases (gnomAD no frequency). This variant has not been reported in the literature in individuals affected with MYPN-related conditions.

NM_032578.4(MYPN):c.3286-18_3286-17insA

Gene: MYPN (myopalladin; plus strand). Cytogenetic location: 10q21.3.
Variant type: Insertion.
Coding change: c.3286-18_3286-17insA on transcript NM_032578.4 (MANE Select); 18 bases into the intron before coding-DNA position 3286 through 17 bases into the intron before coding-DNA position 3286, A inserted.
Molecular consequence: intron variant.
Genome position: GRCh38 VCF-style: chr10-68199350-T-TA. GRCh37 (hg19) VCF-style: chr10-69959107-T-TA.
Other names: c.3286-18_3286-17insA (NM_001256267.2); c.2404-18_2404-17insA (NM_001256268.2).
Identifiers: ClinVar variation 2124033 (VCV002124033.4), dbSNP rs2495964914, ClinGen allele CA2580081719.